The following is an entry in ClinVar:

NM_001854.4(COL11A1):c.2058G>T (p.Glu686Asp)

Gene: COL11A1 (collagen type XI alpha 1 chain; minus strand). Cytogenetic location: 1p21.1.
Variant type: single nucleotide variant.
Coding change: c.2058G>T on transcript NM_001854.4 (MANE Select); coding-DNA position 2058, G replaced by T.
Protein change: p.Glu686Asp; replaces glutamic acid 686 with aspartic acid.
Molecular consequence: missense variant. On other transcripts: non-coding transcript variant (1).
Genome position (GRCh38, 1-based): chr1:103,002,467, C>A on the plus strand (G>T on the coding strand, the complement: COL11A1 is on the minus strand). VCF-style: chr1-103002467-C-A. GRCh37 (hg19) VCF-style: chr1-103468023-C-A.
Other names: c.1941G>T, p.Glu647Asp (NM_001190709.2); c.2094G>T, p.Glu698Asp (NM_080629.3); c.1710G>T, p.Glu570Asp (NM_080630.4); short protein forms E570D, E647D, E686D, E698D.
Identifiers: ClinVar variation 1310541 (VCV001310541.5), dbSNP rs369536049, ClinGen allele CA27728437.

ClinVar aggregate classification (germline): Uncertain significance. Review status: criteria provided, multiple submitters, no conflicts (2 of 4 stars). 2 submissions from 2 submitters: Uncertain significance (2). Last evaluated 2025-08-26.

Allele frequency attached by ClinVar (database versions not stated): gnomAD 0.00001.
gnomAD v4.1: 12 of 1,609,664 alleles (0.00075%); highest among the groups gnomAD compares: African/African-American, 0.0013%; no homozygotes.

Submissions (2):

Labcorp Genetics (formerly Invitae), Labcorp
Classification: Uncertain significance. Last evaluated: 2025-08-26. Review status: criteria provided, single submitter. Criteria: Invitae Variant Classification Sherloc (09022015). Collection method: clinical testing. Allele origin: germline.
Comment: This sequence change replaces glutamic acid, which is acidic and polar, with aspartic acid, which is acidic and polar, at codon 686 of the COL11A1 protein (p.Glu686Asp). The frequency data for this variant in the population databases is considered unreliable, as metrics indicate poor data quality at this position in the gnomAD database. This variant has not been reported in the literature in individuals affected with COL11A1-related conditions. ClinVar contains an entry for this variant (Variation ID: 1310541). Invitae Evidence Modeling of protein sequence and biophysical properties (such as structural, functional, and spatial information, amino acid conservation, physicochemical variation, residue mobility, and thermodynamic stability) indicates that this missense variant is not expected to disrupt COL11A1 protein function with a negative predictive value of 80%. In summary, the available evidence is currently insufficient to determine the role of this variant in disease. Therefore, it has been classified as a Variant of Uncertain Significance.

GeneDx
Classification: Uncertain significance. Last evaluated: 2019-11-21. Review status: criteria provided, single submitter. Criteria: GeneDx Variant Classification Process June 2021. Collection method: clinical testing. Allele origin: germline. Affected: yes.
Comment: Has not been previously published as pathogenic or benign to our knowledge; Adequate data is not available in large population cohorts to assess the frequency of this variant in publicly available databases; however, this variant has not been detected at a significant frequency in presumably healthy individuals tested at GeneDx; In silico analysis, which includes protein predictors and evolutionary conservation, supports a deleterious effect